The following is an entry in ClinVar:

NM_006623.4(PHGDH):c.165dup (p.Ala56fs)

Gene: PHGDH (phosphoglycerate dehydrogenase; plus strand). Cytogenetic location: 1p12.
Variant type: Duplication.
Coding change: c.165dup on transcript NM_006623.4 (MANE Select); coding-DNA position 165, one base duplicated (T; older notation c.165dupT).
Protein change: p.Ala56fs; shifts the reading frame from alanine 56.
Molecular consequence: frameshift variant.
Genome position (GRCh38, 1-based): chr1:119,721,196, T duplicated. VCF-style (leftmost placement, unchanged base first): chr1-119721195-C-CT. GRCh37 (hg19) VCF-style: chr1-120263818-C-CT.
Other names: short protein forms A56fs.
Identifiers: ClinVar variation 5010698 (VCV005010698.1).

ClinVar aggregate classification (germline): Pathogenic (1 of 4 stars; one submission).

Conditions:
Neurometabolic disorder due to serine deficiency. Identifiers: Orphanet 35705, MedGen C5680148, MONDO:0018162.

Submission:

Myriad Genetics, Inc.
Classification: Pathogenic for Neurometabolic disorder due to serine deficiency. Last evaluated: 2024-05-14. Review status: criteria provided, single submitter. Criteria: Myriad Autosomal Dominant, Autosomal Recessive and X-Linked Classification Criteria (2023). Collection method: clinical testing. Allele origin: unknown.
Comment: NM_006623.3(PHGDH):c.165dupT(A56Cfs*7) is expected to be pathogenic in the context of serine deficiency disorder, PHGDH-related. This variant is predicted to lead to an abnormal or absent protein product due to the creation of a premature termination codon in PHGDH, a gene where loss-of-function variants are known to be pathogenic. Please note: this variant was assessed in the context of healthy population screening.